The following is an entry in ClinVar:

NM_005121.3(MED13):c.5405G>A (p.Trp1802Ter)

Gene: MED13 (mediator complex subunit 13; minus strand). Cytogenetic location: 17q23.2.
Variant type: single nucleotide variant.
Coding change: c.5405G>A on transcript NM_005121.3 (MANE Select); coding-DNA position 5405, G replaced by A.
Protein change: p.Trp1802Ter; replaces tryptophan 1802 with a stop codon.
Molecular consequence: nonsense.
Genome position (GRCh38, 1-based): chr17:61,960,942, C>T on the plus strand (G>A on the coding strand, the complement: MED13 is on the minus strand). VCF-style: chr17-61960942-C-T. GRCh37 (hg19) VCF-style: chr17-60038303-C-T.
Other names: short protein forms W1802*.
Identifiers: ClinVar variation 3602571 (VCV003602571.1).
Genomic context (GRCh38, chr17:61,960,942, plus strand): 5'-ATGTTAATGATACAAGTTTCTAAAAGTTCTCCATATAGATCTGTGCAAGATGCAAGAATC[C>T]ACCTTTGATCATGTGATAAACAGTATCCCACAAAAAGAACATTATATTTCTGTCCAGCTT-3'

ClinVar aggregate classification (germline): Pathogenic (1 of 4 stars; one submission).

Conditions:
Intellectual developmental disorder 61. Also called: MENTAL RETARDATION, AUTOSOMAL DOMINANT 61; INTELLECTUAL DEVELOPMENTAL DISORDER, AUTOSOMAL DOMINANT 61. Identifiers: MedGen C5231400, MONDO:0032485, OMIM 618009.

Submission:

Clinical Genomics Laboratory, Washington University in St. Louis
Classification: Pathogenic for Intellectual developmental disorder 61. Last evaluated: 2023-07-26. Review status: criteria provided, single submitter. Criteria: ACMG Guidelines, 2015. Collection method: clinical testing. Allele origin: germline. Affected: yes.
Comment: The MED13 c.5405G>A (p.Trp1802*) variant, to our knowledge, has not been reported in the medical literature and is absent from the general population (gnomAD v.2.1.1), indicating it is not a common variant. This variant causes a premature termination codon, which is predicted to lead to nonsense mediated decay. Additionally, other variants that introduce a premature termination codon have been described in affected individuals and are considered pathogenic (Snijders Blok L et al., PMID: 29740699; C Yuen RK et al., PMID: 28263302). Based on available information and the ACMG/AMP guidelines for variant interpretation (Richards S et al., PMID: 25741868), this variant is classified as pathogenic.